The following is an entry in ClinVar:

ClinVar aggregate classification (germline): Benign. Review status: criteria provided, multiple submitters, no conflicts (2 of 4 stars). 9 submissions from 7 submitters: Benign (9). Last evaluated 2026-02-04.

Conditions:
Amelogenesis imperfecta type 1A. Also called: AMELOGENESIS IMPERFECTA, HYPOPLASTIC TYPE IA; Amelogenesis imperfecta local hypoplastic; Amelogenesis imperfecta, hypoplastic type; Amelogenesis imperfecta, type IA. Identifiers: Orphanet 88661, MedGen C4011403, MONDO:0007094, OMIM 104530.
Junctional epidermolysis bullosa. Identifiers: Orphanet 305, MedGen C0079301, MONDO:0017612.
Junctional epidermolysis bullosa, non-Herlitz type. Also called: Epidermolysis bullosa, junctional, non-herlitz type, somatic mosaic revertant; EPIDERMOLYSIS BULLOSA JUNCTIONALIS, DISENTIS TYPE; EPIDERMOLYSIS BULLOSA JUNCTIONALIS, NON-HERLITZ TYPE; EPIDERMOLYSIS BULLOSA JUNCTIONALIS, PROGRESSIVE; EPIDERMOLYSIS BULLOSA JUNCTIONALIS, SEVERE NONLETHAL; COL17A1-Related Junctional Epidermolysis Bullosa. Identifiers: Orphanet 251393, Orphanet 79402, Orphanet 79405, Orphanet 89840, MedGen C0268374, MONDO:0009180, OMIM 226650.
Junctional epidermolysis bullosa gravis of Herlitz. Also called: EPIDERMOLYSIS BULLOSA JUNCTIONALIS, HERLITZ TYPE; EPIDERMOLYSIS BULLOSA, JUNCTIONAL, HERLITZ-PEARSON TYPE; JEB-HERLITZ TYPE; Herlitz-type junctional epidermolysis bullosa; Epidermolysis Bullosa Letalis; EPIDERMOLYSIS BULLOSA, JUNCTIONAL 1B, SEVERE. Identifiers: Orphanet 79404, MedGen C0079683, MONDO:0009182, OMIM 226700.

Allele frequency attached by ClinVar (database versions not stated): gnomAD exomes 0.73757 and 0.75418; ESP Exome Variant Server 0.74600; gnomAD 0.74805 and 0.74856; TOPMed 0.75139; ExAC 0.75645; 1000 Genomes Project 30x 0.76359; 1000 Genomes Project 0.76498.

Submissions (9):

Labcorp Genetics (formerly Invitae), Labcorp
Classification: Benign. Last evaluated: 2026-02-04. Review status: criteria provided, single submitter. Criteria: Invitae Variant Classification Sherloc (09022015). Collection method: clinical testing. Allele origin: germline.

Blueprint Genetics
Classification: Benign. Last evaluated: 2024-11-26. Review status: criteria provided, single submitter. Criteria: ACMG Guidelines, 2015. Collection method: clinical testing. Allele origin: germline.

Genome-Nilou Lab
Classification: Benign for Amelogenesis imperfecta type 1A. Last evaluated: 2021-07-08. Review status: criteria provided, single submitter. Criteria: ACMG Guidelines, 2015. Collection method: clinical testing. Allele origin: germline. Affected: no.

Genome-Nilou Lab
Classification: Benign for Junctional epidermolysis bullosa gravis of Herlitz. Last evaluated: 2021-07-08. Review status: criteria provided, single submitter. Criteria: ACMG Guidelines, 2015. Collection method: clinical testing. Allele origin: germline. Affected: no.

Genome-Nilou Lab
Classification: Benign for Junctional epidermolysis bullosa, non-Herlitz type. Last evaluated: 2021-07-08. Review status: criteria provided, single submitter. Criteria: ACMG Guidelines, 2015. Collection method: clinical testing. Allele origin: germline. Affected: no.

Illumina Laboratory Services, Illumina
Classification: Benign for Junctional epidermolysis bullosa. Last evaluated: 2018-01-13. Review status: criteria provided, single submitter. Criteria: ICSL Variant Classification Criteria 13 December 2019. Collection method: clinical testing. Allele origin: germline.
Comment: This variant was observed in the ICSL laboratory as part of a predisposition screen in an ostensibly healthy population. It had not been previously curated by ICSL or reported in the Human Gene Mutation Database (HGMD: prior to June 1st, 2018), and was therefore a candidate for classification through an automated scoring system. Utilizing variant allele frequency, disease prevalence and penetrance estimates, and inheritance mode, an automated score was calculated to assess if this variant is too frequent to cause the disease. Based on the score and internal cut-off values, a variant classified as benign is not then subjected to further curation. The score for this variant resulted in a classification of benign for this disease.

GeneDx
Classification: Benign. Last evaluated: 2015-03-03. Review status: criteria provided, single submitter. Criteria: GeneDx Variant Classification Process June 2021. Collection method: clinical testing. Allele origin: germline. Affected: yes.

Breakthrough Genomics
Classification: Benign. Review status: criteria provided, single submitter. Criteria: ACMG Guidelines, 2015. Collection method: not provided. Allele origin: germline. Inheritance: Autosomal recessive inheritance. Affected: yes.

PreventionGenetics, part of Exact Sciences
Classification: Benign. Review status: criteria provided, single submitter. Criteria: ACMG Guidelines, 2015. Collection method: clinical testing. Allele origin: germline.

NM_000228.3(LAMB3):c.1716T>C (p.Cys572=)

Gene: LAMB3 (laminin subunit beta 3; minus strand). Cytogenetic location: 1q32.2.
Variant type: single nucleotide variant.
Coding change: c.1716T>C on transcript NM_000228.3 (MANE Select); coding-DNA position 1716, T replaced by C.
Protein change: p.Cys572=; no amino-acid change (cysteine 572 retained).
Molecular consequence: synonymous variant.
Genome position (GRCh38, 1-based): chr1:209,625,908, A>G on the plus strand (T>C on the coding strand, the complement: LAMB3 is on the minus strand). VCF-style: chr1-209625908-A-G. GRCh37 (hg19) VCF-style: chr1-209799253-A-G.
Other names: c.1716T>C, p.Cys572= (NM_001017402.2, NM_001127641.1).
Identifiers: ClinVar variation 255587 (VCV000255587.21), dbSNP rs2179402, ClinGen allele CA1375484.
Genomic context (GRCh38, chr1:209,625,908, plus strand): 5'-GAGGTCCGCATCATAGGTCTGGAAGCAAGGGTGGCAGGCCACGCACACCGGGTAGCGATT[A>G]CAGTAGCCTCGCTGGCACTGGTCACAGCGGGGCCCGGTCAAGCCAGGGCGGCAGAGGCAG-3'
Protein context (NP_000219.2, residues 562-582): PRCDQCQRGY[Cys572=]NRYPVCVACH